The following is an entry in ClinVar:

NM_000218.3(KCNQ1):c.1264A>G (p.Lys422Glu)

Gene: KCNQ1 (potassium voltage-gated channel subfamily Q member 1; plus strand). Cytogenetic location: 11p15.5.
Variant type: single nucleotide variant.
Coding change: c.1264A>G on transcript NM_000218.3 (MANE Select); coding-DNA position 1264, A replaced by G.
Protein change: p.Lys422Glu; replaces lysine 422 with glutamic acid.
Molecular consequence: missense variant.
Genome position (GRCh38, 1-based): chr11:2,588,725, A>G. VCF-style: chr11-2588725-A-G. GRCh37 (hg19) VCF-style: chr11-2609955-A-G.
Other names: c.1168A>G, p.Lys390Glu (NM_001406836.1); c.994A>G, p.Lys332Glu (NM_001406837.1); c.724A>G, p.Lys242Glu (NM_001406838.1); c.883A>G, p.Lys295Glu (NM_181798.2); short protein forms K422E, K295E, K242E, K332E, K390E.
Identifiers: ClinVar variation 812542 (VCV000812542.5), dbSNP rs1589969375, ClinGen allele CA379134920.

ClinVar aggregate classification (germline): Uncertain significance (1 of 4 stars; one submission).

Conditions:
Long QT syndrome 1 (LQT1). Identifiers: Orphanet 101016, Orphanet 768, MedGen C4551647, MONDO:0100316, OMIM 192500, MONDO:0008646.

Submission:

Petrovsky National Research Centre of Surgery, The Federal Agency for Scientific Organizations
Classification: Uncertain significance for Long QT syndrome 1. Last evaluated: 2020-02-03. Review status: criteria provided, single submitter. Criteria: ACMG Guidelines, 2015. Collection method: clinical testing. Allele origin: unknown. Inheritance: Autosomal dominant inheritance. Affected: yes.
Comment: The variant is absent from large population studies (gnomAD no frequency). There are known 2 substitutions at same AA position (Lys422)(rs199472778) with no classification provided. Computational evaluation was done with CardioClassifier and it shows controversial results: SIFT - Tolerated, MutationTaster - Disease-causing, MutationAssessor - Medium impact, Polyphen-VAR - Benign , LRT - Deleterious, FATHMM - Deleterious, Grantham - Moderately conservative, CADD - 19.77. Based on this evidences the c.1264A>G(p.Lys422Glu) variant is classified as Variant with Uncertain Significance.